The following is an entry in ClinVar:

ClinVar aggregate classification (germline): Uncertain significance (1 of 4 stars; one submission).

Conditions:
BBS9-related disorder. Also called: BBS9-related condition.

Submission:

PreventionGenetics, part of Exact Sciences
Classification: Uncertain significance for BBS9-related condition. Last evaluated: 2026-01-29. Review status: criteria provided, single submitter. Criteria: ACMG Guidelines, 2015. Collection method: clinical testing. Allele origin: germline.
Comment: The BBS9 c.158G>C variant is predicted to result in the amino acid substitution p.Ser53Thr. To our knowledge, this variant has not been reported in the literature or in a large population database (gnomAD), indicating this variant is rare. At this time, the clinical significance of this variant is uncertain due to the absence of conclusive functional and genetic evidence.

NM_198428.3(BBS9):c.158G>C (p.Ser53Thr)

Gene: BBS9 (Bardet-Biedl syndrome 9; plus strand). Cytogenetic location: 7p14.3.
Variant type: single nucleotide variant.
Coding change: c.158G>C on transcript NM_198428.3 (MANE Select); coding-DNA position 158, G replaced by C.
Protein change: p.Ser53Thr; replaces serine 53 with threonine.
Molecular consequence: missense variant. On other transcripts: 5 prime UTR variant (4), non-coding transcript variant (3), intron variant (2).
Genome position (GRCh38, 1-based): chr7:33,152,746, G>C. VCF-style: chr7-33152746-G-C. GRCh37 (hg19) VCF-style: chr7-33192358-G-C.
Other names: c.158G>C, p.Ser53Thr (NM_001033604.2, NM_001033605.2, NM_001348036.1 and 5 more transcripts); c.-144G>C (NM_001348037.3, NM_001348045.3); c.-120G>C (NM_001348038.3, NM_001348039.3); c.23G>C, p.Ser8Thr (NM_001348042.3); c.-39+22705G>C (NM_001348046.3, NM_001348044.3); short protein forms S8T, S53T.
Identifiers: ClinVar variation 4994610 (VCV004994610.1).
Genomic context (GRCh38, chr7:33,152,746, plus strand): 5'-TTAAATTCTCTACAGATAAAATAATTGTGGGTAGCTTTATGGGATACCTAAGGATCTTTA[G>C]CCCCCATCCTGCAAAAACAGGAGATGGAGCTCAAGCCGAAGATTTGCTTCTAGAAGTGGA-3'
Protein context (NP_940820.1, residues 43-63): GSFMGYLRIF[Ser53Thr]PHPAKTGDGA